The following is an entry in ClinVar:

NM_005188.4(CBL):c.1301T>C (p.Phe434Ser)

Gene: CBL (Cbl proto-oncogene; plus strand). Cytogenetic location: 11q23.3.
Variant type: single nucleotide variant.
Coding change: c.1301T>C on transcript NM_005188.4 (MANE Select); coding-DNA position 1301, T replaced by C.
Protein change: p.Phe434Ser; replaces phenylalanine 434 with serine.
Molecular consequence: missense variant.
Genome position (GRCh38, 1-based): chr11:119,278,583, T>C. VCF-style: chr11-119278583-T-C. GRCh37 (hg19) VCF-style: chr11-119149293-T-C.
Other names: short protein forms F434S.
Identifiers: ClinVar variation 3996088 (VCV003996088.1).

ClinVar aggregate classification (germline): Uncertain significance (1 of 4 stars; one submission).

Conditions:
Cardiovascular phenotype. Identifiers: MedGen CN230736.

Submission:

Ambry Genetics
Classification: Uncertain significance for Cardiovascular phenotype. Last evaluated: 2025-06-07. Review status: criteria provided, single submitter. Criteria: Ambry Variant Classification Scheme 2023. Collection method: clinical testing. Allele origin: germline.
Comment: The p.F434S variant (also known as c.1301T>C), located in coding exon 9 of the CBL gene, results from a T to C substitution at nucleotide position 1301. The phenylalanine at codon 434 is replaced by serine, an amino acid with highly dissimilar properties. This amino acid position is conserved. In addition, this alteration is predicted to be deleterious by in silico analysis. Based on the available evidence, the clinical significance of this variant remains unclear.